The following is an entry in ClinVar:

NM_000180.4(GUCY2D):c.1371C>A (p.Cys457Ter)

Gene: GUCY2D (guanylate cyclase 2D, retinal; plus strand). Cytogenetic location: 17p13.1.
Variant type: single nucleotide variant.
Coding change: c.1371C>A on transcript NM_000180.4 (MANE Select); coding-DNA position 1371, C replaced by A.
Protein change: p.Cys457Ter; replaces cysteine 457 with a stop codon.
Molecular consequence: nonsense.
Genome position (GRCh38, 1-based): chr17:8,006,707, C>A. VCF-style: chr17-8006707-C-A. GRCh37 (hg19) VCF-style: chr17-7910025-C-A.
Other names: short protein forms C457*.
Identifiers: ClinVar variation 2938421 (VCV002938421.3), dbSNP rs55916957, ClinGen allele CA397948593.

ClinVar aggregate classification (germline): Pathogenic (1 of 4 stars; one submission).

Conditions:
Leber congenital amaurosis 1 (LCA1). Also called: Congenital absence of the rods and cones; Leber's congenital tapetoretinal degeneration; Leber's congenital tapetoretinal dysplasia; AMAUROSIS CONGENITA OF LEBER I; RETINAL BLINDNESS, CONGENITAL. Identifiers: Orphanet 65, MedGen C2931258, MONDO:0008764, OMIM 204000.
Cone-rod dystrophy 6 (CORD6). Also called: Cone dystrophy progressive; RETINAL CONE DYSTROPHY 2. Identifiers: Orphanet 1872, MedGen C1866293, MONDO:0011143, OMIM 601777.

Submission:

Labcorp Genetics (formerly Invitae), Labcorp
Classification: Pathogenic for Leber congenital amaurosis 1; Cone-rod dystrophy 6. Last evaluated: 2023-05-05. Review status: criteria provided, single submitter. Criteria: Invitae Variant Classification Sherloc (09022015). Collection method: clinical testing. Allele origin: germline.
Comment: For these reasons, this variant has been classified as Pathogenic. This variant has not been reported in the literature in individuals affected with GUCY2D-related conditions. This variant is not present in population databases (gnomAD no frequency). This sequence change creates a premature translational stop signal (p.Cys457*) in the GUCY2D gene. It is expected to result in an absent or disrupted protein product. Loss-of-function variants in GUCY2D are known to be pathogenic (PMID: 10951519, 11328726).

Literature cited by the submitters: PubMed 10951519; PubMed 11328726.